The following is an entry in ClinVar:

NM_013339.4(ALG6):c.495-2A>G

Gene: ALG6 (ALG6 alpha-1,3-glucosyltransferase; plus strand). Cytogenetic location: 1p31.3.
Variant type: single nucleotide variant.
Coding change: c.495-2A>G on transcript NM_013339.4 (MANE Select); the canonical splice acceptor site of the intron before coding-DNA position 495, A replaced by G.
Molecular consequence: splice acceptor variant.
Genome position (GRCh38, 1-based): chr1:63,411,144, A>G. VCF-style: chr1-63411144-A-G. GRCh37 (hg19) VCF-style: chr1-63876815-A-G.
Identifiers: ClinVar variation 552253 (VCV000552253.9), dbSNP rs1227131990, ClinGen allele CA340634825.

ClinVar aggregate classification (germline): Likely pathogenic. Review status: criteria provided, multiple submitters, no conflicts (2 of 4 stars). 3 submissions from 3 submitters: Likely pathogenic (2). 1 of the submissions does not count toward it. Last evaluated 2025-10-20.

Conditions:
ALG6-congenital disorder of glycosylation 1C (CDG1C). Also called: CDG Ic; Congenital disorder of glycosylation, type Ic; CARBOHYDRATE-DEFICIENT GLYCOPROTEIN SYNDROME, TYPE I, WITH DEFICIENT GLYCOSYLATION OF DOLICHOL-LINKED OLIGOSACCHARIDE; CARBOHYDRATE-DEFICIENT GLYCOPROTEIN SYNDROME, TYPE V; Congenital disorder of glycosylation type 1C. Identifiers: Orphanet 79320, MedGen C2930997, MONDO:0011291, OMIM 603147.

Allele frequency attached by ClinVar (database versions not stated): gnomAD exomes 0.00001.
gnomAD v4.1: 7 of 1,613,720 alleles (0.00043%); highest among the groups gnomAD compares: Non-Finnish European, 0.00059%; no homozygotes.

Submissions (3):

Natera, Inc.
Classification: Likely pathogenic for Congenital disorder of glycosylation type 1c. Last evaluated: 2025-10-20. Review status: criteria provided, single submitter. Criteria: Natera Variant Classification Schema (03/2026). Collection method: clinical testing. Allele origin: germline.
Comment: The c.495-2A>G variant in ALG6 is a canonical splice acceptor site variant predicted to affect pre-mRNA splicing, which may result in an abnormal transcript and altered protein product. This variant is expected to result in nonsense mediated decay, truncation, or a dysfunctional protein product. This variant is rare in the general population with a frequency below the threshold expected for the associated phenotype(s). This variant has been observed in one or more individuals affected with the associated recessive disease, as either homozygous or compound heterozygous with a second variant (PMID: 32635232). Given the available evidence, this variant is classified as Likely Pathogenic.

Labcorp Genetics (formerly Invitae), Labcorp
Classification: Likely pathogenic for ALG6-congenital disorder of glycosylation 1C. Last evaluated: 2023-10-09. Review status: criteria provided, single submitter. Criteria: Invitae Variant Classification Sherloc (09022015). Collection method: clinical testing. Allele origin: germline.
Comment: This sequence change affects an acceptor splice site in intron 7 of the ALG6 gene. It is expected to disrupt RNA splicing. Variants that disrupt the donor or acceptor splice site typically lead to a loss of protein function (PMID: 16199547), and loss-of-function variants in ALG6 are known to be pathogenic (PMID: 19862844). This variant is present in population databases (no rsID available, gnomAD 0.002%). This variant has not been reported in the literature in individuals affected with ALG6-related conditions. ClinVar contains an entry for this variant (Variation ID: 552253). In summary, the currently available evidence indicates that the variant is pathogenic, but additional data are needed to prove that conclusively. Therefore, this variant has been classified as Likely Pathogenic.

Counsyl
Classification: Likely pathogenic for ALG6-congenital disorder of glycosylation 1C. Last evaluated: 2017-05-31. Review status: no assertion criteria provided. Collection method: clinical testing. Allele origin: unknown. Not counted in ClinVar's aggregate classification.

Literature cited by the submitters: PubMed 32635232 (cited by Natera, Inc.); PubMed 16199547 (cited by Labcorp Genetics (formerly Invitae), Labcorp); PubMed 19862844 (cited by Labcorp Genetics (formerly Invitae), Labcorp).